The following is an entry in ClinVar:

ClinVar aggregate classification (germline): Uncertain significance (1 of 4 stars; one submission).

Conditions:
HSD3B7-related disorder. Also called: HSD3B7-related condition.

Submission:

PreventionGenetics, part of Exact Sciences
Classification: Uncertain significance for HSD3B7-related condition. Last evaluated: 2026-01-21. Review status: criteria provided, single submitter. Criteria: ACMG Guidelines, 2015. Collection method: clinical testing. Allele origin: germline.
Comment: The HSD3B7 c.973G>T variant is predicted to result in the amino acid substitution p.Ala325Ser. To our knowledge, this variant has not been reported in the literature. This variant is reported in 0.020% of alleles in individuals of African descent in gnomAD. At this time, the clinical significance of this variant is uncertain due to the absence of conclusive functional and genetic evidence.

NM_025193.4(HSD3B7):c.973G>T (p.Ala325Ser)

Gene: HSD3B7 (hydroxy-delta-5-steroid dehydrogenase, 3 beta- and steroid delta-isomerase 7; plus strand). Cytogenetic location: 16p11.2.
Variant type: single nucleotide variant.
Coding change: c.973G>T on transcript NM_025193.4 (MANE Select); coding-DNA position 973, G replaced by T.
Protein change: p.Ala325Ser; replaces alanine 325 with serine.
Molecular consequence: missense variant. On other transcripts: 3 prime UTR variant (2).
Genome position (GRCh38, 1-based): chr16:30,988,046, G>T. VCF-style: chr16-30988046-G-T. GRCh37 (hg19) VCF-style: chr16-30999367-G-T.
Other names: c.*219G>T (NM_001142777.2, NM_001142778.2); short protein forms A325S.
Identifiers: ClinVar variation 4990047 (VCV004990047.1).